The following is an entry in ClinVar:

ClinVar aggregate classification (germline): Conflicting classifications of pathogenicity. Review status: criteria provided, conflicting classifications (1 of 4 stars). 7 submissions from 7 submitters: Uncertain significance (4); Likely benign (3). Last evaluated 2026-09-28.

Conditions:
Familial prostate cancer. Also called: Hereditary Prostate Cancer. Identifiers: MedGen C2931456, MONDO:0700275, OMIM 176807.
Familial cancer of breast. Also called: hereditary breast carcinoma; BREAST CANCER, FAMILIAL; Hereditary breast cancer. Identifiers: Orphanet 227535, MedGen C0346153, MONDO:0016419, OMIM 114480. Disease mechanism: loss of function.
Breast-ovarian cancer, familial, susceptibility to, 2 (BROVCA2). Also called: BRCA2 Hereditary Breast and Ovarian Cancer. Identifiers: Orphanet 145, MedGen C2675520, MONDO:0012933, OMIM 612555. Disease mechanism: loss of function.
Medulloblastoma (MDB). Also called: Medulloblastoma, somatic; MEDULLOBLASTOMA PREDISPOSITION SYNDROME. Identifiers: Orphanet 616, MedGen C0025149, MeSH D008527, MONDO:0007959, OMIM 155255, HP:0002885.
Wilms tumor 1 (WT1). Also called: Wilms tumor, somatic. Identifiers: Orphanet 654, MedGen CN033288, MONDO:0008679, OMIM 194070.
Pancreatic cancer, susceptibility to, 2. Identifiers: Orphanet 1333, MedGen C3150546, MONDO:0013235, OMIM 613347.
Glioma susceptibility 3 (GLM3). Also called: Glioblastoma 3. Identifiers: Orphanet 182067, Orphanet 360, MedGen C2751641, MONDO:0013093, OMIM 613029.
Fanconi anemia complementation group D1. Also called: BRCA2-Related Fanconi Anemia. Identifiers: Orphanet 319462, MedGen C1838457, MONDO:0011584, OMIM 605724.
Hereditary cancer-predisposing syndrome. Also called: Hereditary Cancer Syndrome; Tumor predisposition; Neoplastic Syndromes, Hereditary; Hereditary neoplastic syndrome. Identifiers: Orphanet 140162, MedGen C0027672, MeSH D009386, MONDO:0015356.
Hereditary breast ovarian cancer syndrome. Also called: Breast and ovarian cancer; Hereditary breast and ovarian cancer syndrome; BRCA1- and BRCA2-Associated Hereditary Breast and Ovarian Cancer; Hereditary breast and ovarian cancer syndrome (HBOC); Hereditary breast and/or ovarian cancer syndrome; Hereditary breast and ovarian cancer. Identifiers: Orphanet 145, MedGen C0677776, MeSH D061325, MONDO:0003582. Disease mechanism: loss of function.

gnomAD v4.1: 1 of 1,598,630 alleles (0.000063%); highest among the groups gnomAD compares: Non-Finnish European, 0.000085%; no homozygotes.

Submissions (7):

Myriad Genetics, Inc.
Classification: Likely benign for Breast-ovarian cancer, familial, susceptibility to, 2. Last evaluated: 2026-09-28. Review status: criteria provided, single submitter. Criteria: Myriad Autosomal Dominant, Autosomal Recessive and X-Linked Classification Criteria (2023). Collection method: clinical testing. Allele origin: unknown.
Comment: This variant is considered likely benign. This variant is strongly associated with less severe personal and family histories of cancer, typical for individuals without pathogenic variants in this gene [PMID: 25085752].

Labcorp Genetics (formerly Invitae), Labcorp
Classification: Uncertain significance for Hereditary breast ovarian cancer syndrome. Last evaluated: 2025-01-19. Review status: criteria provided, single submitter. Criteria: Invitae Variant Classification Sherloc (09022015). Collection method: clinical testing. Allele origin: germline.
Comment: This sequence change replaces serine, which is neutral and polar, with leucine, which is neutral and non-polar, at codon 497 of the BRCA2 protein (p.Ser497Leu). This variant is not present in population databases (gnomAD no frequency). This variant has not been reported in the literature in individuals affected with BRCA2-related conditions. ClinVar contains an entry for this variant (Variation ID: 419653). Invitae Evidence Modeling of protein sequence and biophysical properties (such as structural, functional, and spatial information, amino acid conservation, physicochemical variation, residue mobility, and thermodynamic stability) indicates that this missense variant is not expected to disrupt BRCA2 protein function with a negative predictive value of 95%. In summary, the available evidence is currently insufficient to determine the role of this variant in disease. Therefore, it has been classified as a Variant of Uncertain Significance.

GeneDx
Classification: Uncertain significance. Last evaluated: 2025-01-13. Review status: criteria provided, single submitter. Criteria: GeneDx Variant Classification Process June 2021. Collection method: clinical testing. Allele origin: germline. Affected: yes.
Comment: Not observed at significant frequency in large population cohorts (gnomAD); In silico analysis indicates that this missense variant does not alter protein structure/function; Has not been previously published as pathogenic or benign to our knowledge; Also known as 1718C>T; This variant is associated with the following publications: (PMID: 25925381, 29884841, 38664720, 32377563)

Ambry Genetics
Classification: Likely benign for Hereditary cancer-predisposing syndrome. Last evaluated: 2024-11-08. Review status: criteria provided, single submitter. Criteria: Ambry Variant Classification Scheme 2023. Collection method: clinical testing. Allele origin: germline.

Fulgent Genetics
Classification: Uncertain significance for Familial cancer of breast; Medulloblastoma; Familial prostate cancer; Wilms tumor 1; Fanconi anemia complementation group D1; Breast-ovarian cancer, familial, susceptibility to, 2; Glioma susceptibility 3; Pancreatic cancer, susceptibility to, 2. Last evaluated: 2024-06-18. Review status: criteria provided, single submitter. Criteria: ACMG Guidelines, 2015. Collection method: clinical testing. Allele origin: germline.

University of Washington Department of Laboratory Medicine, University of Washington
Classification: Likely benign for Hereditary cancer-predisposing syndrome. Last evaluated: 2023-03-23. Review status: criteria provided, single submitter. Criteria: Dines et al. (Genet Med. 2020). Collection method: curation. Allele origin: germline.
Comment: Missense variant in a coldspot region where missense variants are very unlikely to be pathogenic (PMID:31911673).

BRCA2 exon 10 coldspot. Reclassification based on statistical prior probability.

Color Diagnostics, LLC DBA Color Health
Classification: Uncertain significance for Hereditary cancer-predisposing syndrome. Last evaluated: 2019-06-01. Review status: criteria provided, single submitter. Criteria: ACMG Guidelines, 2015. Collection method: clinical testing. Allele origin: germline.

Literature cited by the submitters: PubMed 25085752 (cited by Myriad Genetics, Inc.).

NM_000059.4(BRCA2):c.1490C>T (p.Ser497Leu)

Gene: BRCA2 (BRCA2 DNA repair associated; plus strand). Cytogenetic location: 13q13.1.
Variant type: single nucleotide variant.
Coding change: c.1490C>T on transcript NM_000059.4 (MANE Select); coding-DNA position 1490, C replaced by T.
Protein change: p.Ser497Leu; replaces serine 497 with leucine.
Molecular consequence: missense variant.
Genome position (GRCh38, 1-based): chr13:32,332,968, C>T. VCF-style: chr13-32332968-C-T. GRCh37 (hg19) VCF-style: chr13-32907105-C-T.
Other names: short protein forms S497L.
Identifiers: ClinVar variation 419653 (VCV000419653.23), dbSNP rs1064794018, ClinGen allele CA16619659.